The following is an entry in ClinVar:

ClinVar aggregate classification (germline): Benign/Likely benign. Review status: criteria provided, multiple submitters, no conflicts (2 of 4 stars). 6 submissions from 6 submitters: Benign (2); Likely benign (4). Last evaluated 2026-03-20.

Conditions:
TSC2-related disorder. Also called: TSC2-Related Disorders; TSC2-related condition.
Hereditary cancer-predisposing syndrome. Also called: Hereditary Cancer Syndrome; Tumor predisposition; Hereditary neoplastic syndrome; Neoplastic Syndromes, Hereditary. Identifiers: Orphanet 140162, MedGen C0027672, MeSH D009386, MONDO:0015356.
Tuberous sclerosis 2 (TSC2). Identifiers: Orphanet 805, MedGen C1860707, MONDO:0013199, OMIM 613254.

Allele frequency attached by ClinVar (database versions not stated): gnomAD exomes 0.00001; TOPMed 0.00001.
gnomAD v4.1: 3 of 1,612,976 alleles (0.00019%); highest among the groups gnomAD compares: Admixed American, 0.0033%; no homozygotes.

Submissions (6):

Women's Health and Genetics/Laboratory Corporation of America, LabCorp
Classification: Likely benign. Last evaluated: 2026-03-20. Review status: criteria provided, single submitter. Criteria: LabCorp Variant Classification Summary - May 2015. Collection method: clinical testing. Allele origin: germline.
Comment: Variant summary: TSC2 c.3750C>T alters a non-conserved nucleotide resulting in a synonymous change. Consensus agreement among computation tools predict no significant impact on normal splicing. However, these predictions have yet to be confirmed by functional studies. The variant allele was found at a frequency of 8e-06 in 249850 control chromosomes. The available data on variant occurrences in the general population are insufficient to allow any conclusion about variant significance. To our knowledge, no occurrence of c.3750C>T in individuals affected with TSC2-related conditions and no experimental evidence demonstrating its impact on protein function have been reported. ClinVar contains an entry for this variant (Variation ID: 413685). Based on the evidence outlined above, the variant was classified as likely benign.

PreventionGenetics, part of Exact Sciences
Classification: Likely benign for TSC2-related condition. Last evaluated: 2025-10-31. Review status: criteria provided, single submitter. Criteria: ACMG Guidelines, 2015. Collection method: clinical testing. Allele origin: germline.
Comment: This variant is classified as likely benign based on ACMG/AMP sequence variant interpretation guidelines (Richards et al. 2015 PMID: 25741868, with internal and published modifications).

Labcorp Genetics (formerly Invitae), Labcorp
Classification: Likely benign for Tuberous sclerosis 2. Last evaluated: 2025-10-23. Review status: criteria provided, single submitter. Criteria: Invitae Variant Classification Sherloc (09022015). Collection method: clinical testing. Allele origin: germline.

Myriad Genetics, Inc.
Classification: Benign for Tuberous sclerosis 2. Last evaluated: 2025-05-30. Review status: criteria provided, single submitter. Criteria: Myriad Autosomal Dominant, Autosomal Recessive and X-Linked Classification Criteria (2023). Collection method: clinical testing. Allele origin: unknown.
Comment: This variant is considered benign. This variant is a silent/synonymous amino acid change and it is not expected to impact splicing.

Genome-Nilou Lab
Classification: Benign for Tuberous sclerosis 2. Last evaluated: 2021-11-07. Review status: criteria provided, single submitter. Criteria: ACMG Guidelines, 2015. Collection method: clinical testing. Allele origin: germline. Affected: no.

Ambry Genetics
Classification: Likely benign for Hereditary cancer-predisposing syndrome. Last evaluated: 2019-03-13. Review status: criteria provided, single submitter. Criteria: Ambry Variant Classification Scheme 2023. Collection method: clinical testing. Allele origin: germline.

NM_000548.5(TSC2):c.3750C>T (p.Tyr1250=)

Gene: TSC2 (TSC complex subunit 2; plus strand). Cytogenetic location: 16p13.3.
Variant type: single nucleotide variant.
Coding change: c.3750C>T on transcript NM_000548.5 (MANE Select); coding-DNA position 3750, C replaced by T.
Protein change: p.Tyr1250=; no amino-acid change (tyrosine 1250 retained).
Molecular consequence: synonymous variant.
Genome position (GRCh38, 1-based): chr16:2,081,734, C>T. VCF-style: chr16-2081734-C-T. GRCh37 (hg19) VCF-style: chr16-2131735-C-T.
Other names: c.3618C>T, p.Tyr1206= (NM_001077183.3, NM_001370404.1); c.3750C>T, p.Tyr1250= (NM_001114382.3); c.3510C>T, p.Tyr1170= (NM_001318827.2); c.3474C>T, p.Tyr1158= (NM_001318829.2); c.3018C>T, p.Tyr1006= (NM_001318831.2); c.3651C>T, p.Tyr1217= (NM_001318832.2); c.3621C>T, p.Tyr1207= (NM_001363528.2, NM_001370405.1, NM_021055.3); c.3750C>T (NM_000548.4).
Identifiers: ClinVar variation 413685 (VCV000413685.19), dbSNP rs45517308, ClinGen allele CA16614729.